The following is an entry in ClinVar:

NM_001165963.4(SCN1A):c.4002+2288A>G

Genes: SCN1A (sodium voltage-gated channel alpha subunit 1; minus strand), LOC102724058 (uncharacterized LOC102724058; plus strand). Cytogenetic location: 2q24.3.
Variant type: single nucleotide variant.
Coding change: c.4002+2288A>G on transcript NM_001165963.4 (MANE Select); 2288 bases into the intron after coding-DNA position 4002, A replaced by G.
Molecular consequence: intron variant.
Genome position (GRCh38, 1-based): chr2:166,007,431, T>C on the plus strand (A>G on the coding strand, the complement: SCN1A is on the minus strand). VCF-style: chr2-166007431-T-C. GRCh37 (hg19) VCF-style: chr2-166863941-T-C.
Other names: c.3969+2288A>G (NM_001353949.2, NM_001353950.2, NM_001353951.2 and 2 more transcripts); c.3918+2288A>G (NM_001353958.2, NM_001353957.2, NM_001165964.3); c.4002+2288A>G (NM_001202435.3, NM_001353948.2); c.3966+2288A>G (NM_001353955.2, NM_001353954.2); c.3915+2288A>G (NM_001353960.2); c.1560+2288A>G (NM_001353961.2).
Identifiers: ClinVar variation 3691600 (VCV003691600.2).

ClinVar aggregate classification (germline): Uncertain significance (1 of 4 stars; one submission).

Conditions:
Early-infantile DEE. Also called: Ohtahara syndrome; Early infantile epileptic encephalopathy with suppression bursts; Early infantile epileptic encephalopathy. Identifiers: Orphanet 1934, MedGen C0393706, MONDO:0800491.

Submission:

Labcorp Genetics (formerly Invitae), Labcorp
Classification: Uncertain significance for Early-infantile DEE. Last evaluated: 2024-11-24. Review status: criteria provided, single submitter. Criteria: Invitae Variant Classification Sherloc (09022015). Collection method: clinical testing. Allele origin: germline.
Comment: This sequence change falls in intron 20 of the SCN1A gene. It does not directly change the encoded amino acid sequence of the SCN1A protein. However, this sequence change falls within a region encompassing a cryptic exon in the SCN1A gene, in which variants have been shown to alter splicing (PMID: 30526861, 34107977). This variant is not present in population databases (gnomAD no frequency). This variant has not been reported in the literature in individuals affected with SCN1A-related conditions. Algorithms developed to predict the effect of sequence changes on RNA splicing suggest that this variant is not likely to affect RNA splicing. In summary, the available evidence is currently insufficient to determine the role of this variant in disease. Therefore, it has been classified as a Variant of Uncertain Significance.

Literature cited by the submitters: PubMed 30526861; PubMed 34107977.